The following is an entry in ClinVar:

ClinVar aggregate classification (germline): Pathogenic (1 of 4 stars; one submission).

Conditions:
Tumor predisposition syndrome 3 (TPDS3). Also called: Glioma susceptibility 9; Melanoma, cutaneous malignant, susceptibility to, 10; LONG TELOMERE SYNDROME, POT1-RELATED; POT1 Tumor Predisposition. Identifiers: Orphanet 618, MedGen C4014476, MONDO:0014368, OMIM 615848.

Submission:

Labcorp Genetics (formerly Invitae), Labcorp
Classification: Pathogenic for Tumor predisposition syndrome 3. Last evaluated: 2025-06-25. Review status: criteria provided, single submitter. Criteria: Invitae Variant Classification Sherloc (09022015). Collection method: clinical testing. Allele origin: germline.
Comment: This sequence change creates a premature translational stop signal (p.Phe492Leufs*13) in the POT1 gene. It is expected to result in an absent or disrupted protein product. Loss-of-function variants in POT1 are known to be pathogenic (PMID: 32155570). This variant is not present in population databases (gnomAD no frequency). This variant has not been reported in the literature in individuals affected with POT1-related conditions. ClinVar contains an entry for this variant (Variation ID: 2748069). For these reasons, this variant has been classified as Pathogenic.

Literature cited by the submitters: PubMed 32155570.

NM_015450.3(POT1):c.1475_1476insA (p.Phe492fs)

Gene: POT1 (protection of telomeres 1; minus strand). Cytogenetic location: 7q31.33.
Variant type: Insertion.
Coding change: c.1475_1476insA on transcript NM_015450.3 (MANE Select); coding-DNA positions 1475 to 1476, A inserted.
Protein change: p.Phe492fs; shifts the reading frame from phenylalanine 492.
Molecular consequence: frameshift variant. On other transcripts: non-coding transcript variant (3).
Genome position: GRCh38 VCF-style: chr7-124835308-A-AT. GRCh37 (hg19) VCF-style: chr7-124475362-A-AT.
Other names: c.1082_1083insA, p.Phe361fs (NM_001042594.2); short protein forms F361fs, F492fs.
Identifiers: ClinVar variation 2748069 (VCV002748069.3), dbSNP rs2485374234, ClinGen allele CA2697557618.